The following is an entry in ClinVar:

NM_004612.4(TGFBR1):c.1000T>A (p.Leu334Met)

Gene: TGFBR1 (transforming growth factor beta receptor 1; plus strand). Cytogenetic location: 9q22.33.
Variant type: single nucleotide variant.
Coding change: c.1000T>A on transcript NM_004612.4 (MANE Select); coding-DNA position 1000, T replaced by A.
Protein change: p.Leu334Met; replaces leucine 334 with methionine.
Molecular consequence: missense variant. On other transcripts: non-coding transcript variant (4).
Genome position (GRCh38, 1-based): chr9:99,144,758, T>A. VCF-style: chr9-99144758-T-A. GRCh37 (hg19) VCF-style: chr9-101907040-T-A.
Other names: c.769T>A, p.Leu257Met (NM_001130916.3, NM_001407435.1); c.1012T>A, p.Leu338Met (NM_001306210.2); c.844T>A, p.Leu282Met (NM_001407416.1); c.832T>A, p.Leu278Met (NM_001407417.1); c.805T>A, p.Leu269Met (NM_001407418.1, NM_001407419.1, NM_001407420.1 and 1 more transcripts); c.793T>A, p.Leu265Met (NM_001407423.1, NM_001407424.1, NM_001407425.1 and 8 more transcripts); c.754T>A, p.Leu252Met (NM_001407436.1); c.292T>A, p.Leu98Met (NM_001407437.1); and 1 more; short protein forms L175M, L252M, L257M, L265M, L269M, L278M, L282M, L334M.
Identifiers: ClinVar variation 3893792 (VCV003893792.1).

ClinVar aggregate classification (germline): Uncertain significance (1 of 4 stars; one submission).

Conditions:
Familial thoracic aortic aneurysm and aortic dissection (TAAD). Also called: Thoracic aortic aneurysms and dissections. Identifiers: Orphanet 91387, MedGen C4707243, MONDO:0019625.

Submission:

Color Diagnostics, LLC DBA Color Health
Classification: Uncertain significance for Familial thoracic aortic aneurysm and aortic dissection. Last evaluated: 2024-11-17. Review status: criteria provided, single submitter. Criteria: ACMG Guidelines, 2015. Collection method: clinical testing. Allele origin: germline.
Comment: This missense variant replaces leucine with methionine at codon 334 of the TGFBR1 protein. Computational prediction suggests that this variant may have deleterious impact on protein structure and function (internally defined REVEL score threshold >= 0.7, PMID: 27666373). To our knowledge, functional studies have not been reported for this variant. This variant has not been reported in individuals affected with TGFBR1-related disorders in the literature. This variant has not been identified in the general population by the Genome Aggregation Database (gnomAD). The available evidence is insufficient to determine the role of this variant in disease conclusively. Therefore, this variant is classified as a Variant of Uncertain Significance.